The following is an entry in ClinVar:

ClinVar aggregate classification (germline): Pathogenic (1 of 4 stars; one submission).

Conditions:
Long QT syndrome (LQTS). Identifiers: MedGen C0023976, MeSH D008133, MONDO:0002442. Disease mechanism: loss of function. Inheritance: Various modes of inheritance.

Submission:

Labcorp Genetics (formerly Invitae), Labcorp
Classification: Pathogenic for Long QT syndrome. Last evaluated: 2019-01-21. Review status: criteria provided, single submitter. Criteria: Invitae Variant Classification Sherloc (09022015). Collection method: clinical testing. Allele origin: germline.
Comment: A gross deletion of the genomic region encompassing the full coding sequence of the CAV3 gene has been identified. The boundaries of this event are unknown as the deletion extends beyond the assayed region for this gene and therefore may encompass additional genes. This variant has not been reported in the literature in individuals with CAV3-related disease. Loss-of-function variants in CAV3 are known to be pathogenic (PMIDs: 16730439, 17537631, 18487559). For these reasons, this variant has been classified as Pathogenic.

NC_000003.12:g.(?_8733867)_(8745877_?)del

Genes: CAV3 (caveolin 3; plus strand), OXTR (oxytocin receptor; minus strand). Cytogenetic location: 3p25.3.
Variant type: Deletion.
Identifiers: ClinVar variation 662861 (VCV000662861.2).